The following is an entry in ClinVar:

ClinVar aggregate classification (germline): Pathogenic (1 of 4 stars; one submission).

Conditions:
Kennedy disease (SMAX1). Also called: SPINAL AND BULBAR MUSCULAR ATROPHY, X-LINKED 1; KENNEDY SPINAL AND BULBAR MUSCULAR ATROPHY; Spinal and Bulbar Muscular Atrophy. Identifiers: Orphanet 481, MedGen C1839259, MONDO:0010735, OMIM 313200.
Androgen resistance syndrome (AIS). Also called: ANDROGEN RECEPTOR DEFICIENCY; DIHYDROTESTOSTERONE RECEPTOR DEFICIENCY; Androgen insensitivity; DHTR DEFICIENCY; TESTICULAR FEMINIZATION SYNDROME; Androgen insensitivity syndrome. Identifiers: Orphanet 754, Orphanet 99429, MedGen C0039585, MONDO:0019154, OMIM 300068. Disease mechanism: loss of function.

Submission:

Labcorp Genetics (formerly Invitae), Labcorp
Classification: Pathogenic for Kennedy disease; Androgen resistance syndrome. Last evaluated: 2021-10-15. Review status: criteria provided, single submitter. Criteria: Invitae Variant Classification Sherloc (09022015). Collection method: clinical testing. Allele origin: germline.
Comment: For these reasons, this variant has been classified as Pathogenic. This variant disrupts a region of the AR protein in which other variant(s) (p.Asn849Lysfs*32) have been determined to be pathogenic (PMID: 10690872, 27899157, 28456808; Invitae). This suggests that this is a clinically significant region of the protein, and that variants that disrupt it are likely to be disease-causing. This variant has not been reported in the literature in individuals affected with AR-related conditions. This variant is a gross deletion of the genomic region encompassing exon(s) 6-8 of the AR gene, which includes the termination codon. This deletion extends beyond the assayed region for this gene and therefore may encompass additional genes. While this deletion is not anticipated to lead to nonsense mediated decay, it is expected to alter mRNA translation or result in a truncated protein product.

Literature cited by the submitters: PubMed 10690872; PubMed 27899157; PubMed 28456808.

NC_000023.10:g.(?_66941655)_(66943683_?)del

Gene: AR (androgen receptor; plus strand). Cytogenetic location: Xq12.
Variant type: Deletion.
Identifiers: ClinVar variation 1454388 (VCV001454388.4).